The following is an entry in ClinVar:

NM_001854.4(COL11A1):c.4356+2T>C

Gene: COL11A1 (collagen type XI alpha 1 chain; minus strand). Cytogenetic location: 1p21.1.
Variant type: single nucleotide variant.
Coding change: c.4356+2T>C on transcript NM_001854.4 (MANE Select); the canonical splice donor site of the intron after coding-DNA position 4356, T replaced by C.
Molecular consequence: splice donor variant.
Genome position (GRCh38, 1-based): chr1:102,890,449, A>G on the plus strand (T>C on the coding strand, the complement: COL11A1 is on the minus strand). VCF-style: chr1-102890449-A-G. GRCh37 (hg19) VCF-style: chr1-103356005-A-G.
Other names: c.4239+2T>C (NM_001190709.2); c.4392+2T>C (NM_080629.3); c.4008+2T>C (NM_080630.4).
Identifiers: ClinVar variation 1345284 (VCV001345284.8), dbSNP rs2100864027, ClinGen allele CA341212807.
Genomic context (GRCh38, chr1:102,890,449, plus strand): 5'-AGCAGGGCTATTAGTATATAAAAGCATATTCTTTTATTAATAACACATTCTTTTATTCTC[A>G]CCTTTTCACCCTTGGAGCCAGGGTCACCTTTGAGACCAGGTAAGCCAGGAGGTCCCTAAA-3'

ClinVar aggregate classification (germline): Likely pathogenic (1 of 4 stars; one submission).

Submission:

Labcorp Genetics (formerly Invitae), Labcorp
Classification: Likely pathogenic. Last evaluated: 2022-07-26. Review status: criteria provided, single submitter. Criteria: Invitae Variant Classification Sherloc (09022015). Collection method: clinical testing. Allele origin: germline.
Comment: In summary, the currently available evidence indicates that the variant is pathogenic, but additional data are needed to prove that conclusively. Therefore, this variant has been classified as Likely Pathogenic. Algorithms developed to predict the effect of sequence changes on RNA splicing suggest that this variant may disrupt the consensus splice site. ClinVar contains an entry for this variant (Variation ID: 1345284). This variant has not been reported in the literature in individuals affected with COL11A1-related conditions. This variant is not present in population databases (gnomAD no frequency). This sequence change affects a donor splice site in intron 58 of the COL11A1 gene. It is expected to disrupt RNA splicing. Variants that disrupt the donor or acceptor splice site typically lead to a loss of protein function (PMID: 16199547), and loss-of-function variants in COL11A1 are known to be pathogenic (PMID: 20513134, 21035103, 23922384, 25240749, 32427345, 32756486).

Literature cited by the submitters: PubMed 16199547; PubMed 20513134; PubMed 21035103; PubMed 23922384; PubMed 25240749; PubMed 32427345; PubMed 32756486.